The following is an entry in ClinVar:

ClinVar aggregate classification (germline): Uncertain significance (1 of 4 stars; one submission).

gnomAD v4.1: 55 of 1,610,306 alleles (0.0034%); highest among the groups gnomAD compares: Admixed American, 0.019%; no homozygotes.

Submission:

Women's Health and Genetics/Laboratory Corporation of America, LabCorp
Classification: Uncertain significance. Last evaluated: 2025-11-05. Review status: criteria provided, single submitter. Criteria: LabCorp Variant Classification Summary - May 2015. Collection method: clinical testing. Allele origin: germline.
Comment: Variant summary: KIF5C c.501+4T>G alters a conserved nucleotide located close to a canonical splice site and therefore could affect mRNA splicing, leading to a significantly altered protein sequence. Consensus agreement among computation tools predict no significant impact on normal splicing. However, these predictions have yet to be confirmed by functional studies. The variant allele was found at a frequency of 4.5e-05 in 245300 control chromosomes. This frequency is not significantly higher than estimated for disease-causing variants in KIF5C, allowing no conclusion about variant significance. To our knowledge, no occurrence of c.501+4T>G in individuals affected with KIF5C-related conditions and no experimental evidence demonstrating its impact on protein function have been reported. No submitters have cited clinical-significance assessments for this variant to ClinVar. Based on the evidence outlined above, the variant was classified as uncertain significance.

NM_004522.3(KIF5C):c.501+4T>G

Gene: KIF5C (kinesin family member 5C; plus strand). Cytogenetic location: 2q23.1.
Variant type: single nucleotide variant.
Coding change: c.501+4T>G on transcript NM_004522.3 (MANE Select); 4 bases into the intron after coding-DNA position 501, T replaced by G.
Molecular consequence: intron variant.
Genome position (GRCh38, 1-based): chr2:148,941,994, T>G. VCF-style: chr2-148941994-T-G. GRCh37 (hg19) VCF-style: chr2-149798508-T-G.
Identifiers: ClinVar variation 4537047 (VCV004537047.1).